The following is an entry in ClinVar:

ClinVar aggregate classification (germline): Pathogenic (1 of 4 stars; one submission).

Submission:

Athena Diagnostics
Classification: Pathogenic. Last evaluated: 2024-05-23. Review status: criteria provided, single submitter. Criteria: Athena Diagnostics Criteria. Collection method: clinical testing. Allele origin: unknown.
Comment: This variant is expected to result in the loss of a functional protein. This variant has not been reported in large, multi-ethnic general populations. This variant has been identified in at least one individual tested at Athena Diagnostics with clinical features associated with this gene.

NM_000368.5(TSC1):c.275T>A (p.Leu92Ter)

Gene: TSC1 (TSC complex subunit 1; minus strand). Cytogenetic location: 9q34.13.
Variant type: single nucleotide variant.
Coding change: c.275T>A on transcript NM_000368.5 (MANE Select); coding-DNA position 275, T replaced by A.
Protein change: p.Leu92Ter; replaces leucine 92 with a stop codon.
Molecular consequence: nonsense. On other transcripts: 5 prime UTR variant (18), non-coding transcript variant (5), intron variant (5).
Genome position (GRCh38, 1-based): chr9:132,925,675, A>T on the plus strand (T>A on the coding strand, the complement: TSC1 is on the minus strand). VCF-style: chr9-132925675-A-T. GRCh37 (hg19) VCF-style: chr9-135801062-A-T.
Other names: c.275T>A, p.Leu92Ter (NM_001162426.2, NM_001406592.1, NM_001406593.1 and 16 more transcripts); c.-89T>A (NM_001362177.2, NM_001406617.1, NM_001406618.1 and 5 more transcripts); c.-181T>A (NM_001406614.1, NM_001406616.1, NM_001406624.1); c.-214T>A (NM_001406615.1, NM_001406623.1); c.-603T>A (NM_001406626.1, NM_001406627.1, NM_001406628.1); c.-745T>A (NM_001406629.1); c.-819T>A (NM_001406630.1); c.210+1526T>A (NM_001406613.1, NM_001406612.1, NM_001406610.1 and 2 more transcripts); short protein forms L92*.
Identifiers: ClinVar variation 3571885 (VCV003571885.1).
Genomic context (GRCh38, chr9:132,925,675, plus strand): 5'-AGAGGTGCTTGAGAGAGCTTATGCTTCCAAGATGGCTGCAGTCTTATGACATGACCCAGT[A>T]ACGAGAGGATGGATAAACGAGTGGCGGCTTTGCCCACATATTCGTTAATCCTGTCCAAGA-3'